The following is an entry in ClinVar:

ClinVar aggregate classification (germline): Uncertain significance. Review status: criteria provided, multiple submitters, no conflicts (2 of 4 stars). 2 submissions from 2 submitters: Uncertain significance (2). Last evaluated 2025-03-26.

Conditions:
Hereditary cancer-predisposing syndrome. Also called: Hereditary Cancer Syndrome; Tumor predisposition; Hereditary neoplastic syndrome; Neoplastic Syndromes, Hereditary. Identifiers: Orphanet 140162, MedGen C0027672, MeSH D009386, MONDO:0015356.
Familial cancer of breast. Also called: hereditary breast carcinoma; Hereditary breast cancer; BREAST CANCER, FAMILIAL. Identifiers: Orphanet 227535, MedGen C0346153, MONDO:0016419, OMIM 114480. Disease mechanism: loss of function.

Submissions (2):

Ambry Genetics
Classification: Uncertain significance for Hereditary cancer-predisposing syndrome. Last evaluated: 2025-03-26. Review status: criteria provided, single submitter. Criteria: Ambry Variant Classification Scheme 2023. Collection method: clinical testing. Allele origin: germline.
Comment: The p.L498P variant (also known as c.1493T>C), located in coding exon 13 of the CHEK2 gene, results from a T to C substitution at nucleotide position 1493. The leucine at codon 498 is replaced by proline, an amino acid with similar properties. This amino acid position is conserved. In addition, the in silico prediction for this alteration is inconclusive. Based on the available evidence, the clinical significance of this variant remains unclear.

Labcorp Genetics (formerly Invitae), Labcorp
Classification: Uncertain significance for Familial cancer of breast. Last evaluated: 2023-03-14. Review status: criteria provided, single submitter. Criteria: Invitae Variant Classification Sherloc (09022015). Collection method: clinical testing. Allele origin: germline.
Comment: This variant has not been reported in the literature in individuals affected with CHEK2-related conditions. This variant is not present in population databases (gnomAD no frequency). This sequence change replaces leucine, which is neutral and non-polar, with proline, which is neutral and non-polar, at codon 498 of the CHEK2 protein (p.Leu498Pro). ClinVar contains an entry for this variant (Variation ID: 1040512). In summary, the available evidence is currently insufficient to determine the role of this variant in disease. Therefore, it has been classified as a Variant of Uncertain Significance. An algorithm developed to predict the effect of missense changes on protein structure and function (PolyPhen-2) suggests that this variant is likely to be disruptive.

NM_007194.4(CHEK2):c.1493T>C (p.Leu498Pro)

Gene: CHEK2 (checkpoint kinase 2; minus strand). Cytogenetic location: 22q12.1.
Variant type: single nucleotide variant.
Coding change: c.1493T>C on transcript NM_007194.4 (MANE Select); coding-DNA position 1493, T replaced by C.
Protein change: p.Leu498Pro; replaces leucine 498 with proline.
Molecular consequence: missense variant.
Genome position (GRCh38, 1-based): chr22:28,689,184, A>G on the plus strand (T>C on the coding strand, the complement: CHEK2 is on the minus strand). VCF-style: chr22-28689184-A-G. GRCh37 (hg19) VCF-style: chr22-29085172-A-G.
Other names: c.1622T>C, p.Leu541Pro (NM_001005735.3); c.830T>C, p.Leu277Pro (NM_001257387.3); c.1292T>C, p.Leu431Pro (NM_001349956.3); c.1406T>C, p.Leu469Pro (NM_145862.3); short protein forms L277P, L498P, L431P, L469P, L541P.
Identifiers: ClinVar variation 1040512 (VCV001040512.12), dbSNP rs2052245637, ClinGen allele CA411092474.
Genomic context (GRCh38, chr22:28,689,184, plus strand): 5'-AATACGAATACCTGGGCTAGAACCTGGGGTAGAGCTGTGGATTCATTTTCCTCAGACAGA[A>G]GATCTTGAAACTTTCTCTTCATGTCTTCATCCTGTGAGGGAATTAAAAACATAAGTAGCT-3'
Protein context (NP_009125.1, residues 488-508): DEDMKRKFQD[Leu498Pro]LSEENESTAL